The following is an entry in ClinVar:

NM_000143.4(FH):c.104C>G (p.Ser35Trp)

Gene: FH (fumarate hydratase; minus strand). Cytogenetic location: 1q43.
Variant type: single nucleotide variant.
Coding change: c.104C>G on transcript NM_000143.4 (MANE Select); coding-DNA position 104, C replaced by G.
Protein change: p.Ser35Trp; replaces serine 35 with tryptophan.
Molecular consequence: missense variant.
Genome position (GRCh38, 1-based): chr1:241,519,619, G>C on the plus strand (C>G on the coding strand, the complement: FH is on the minus strand). VCF-style: chr1-241519619-G-C. GRCh37 (hg19) VCF-style: chr1-241682919-G-C.
Other names: short protein forms S35W.
Identifiers: ClinVar variation 822075 (VCV000822075.17), dbSNP rs942065027, ClinGen allele CA40337936.

ClinVar aggregate classification (germline): Uncertain significance. Review status: criteria provided, multiple submitters, no conflicts (2 of 4 stars). 4 submissions from 4 submitters: Uncertain significance (3). 1 of the submissions does not count toward it. Last evaluated 2025-07-29.

Conditions:
Hereditary cancer-predisposing syndrome. Also called: Hereditary Cancer Syndrome; Neoplastic Syndromes, Hereditary; Hereditary neoplastic syndrome; Tumor predisposition. Identifiers: Orphanet 140162, MedGen C0027672, MeSH D009386, MONDO:0015356.
Fumarase deficiency (FMRD). Also called: Fumarate Hydratase Deficiency; Fumaric aciduria. Identifiers: Orphanet 24, MedGen C0342770, MONDO:0011730, OMIM 606812.

Allele frequency attached by ClinVar (database versions not stated): gnomAD 0.00001; TOPMed 0.00001.
gnomAD v4.1: 3 of 1,547,688 alleles (0.00019%); highest among the groups gnomAD compares: African/African-American, 0.0014%; no homozygotes.

Submissions (4):

Labcorp Genetics (formerly Invitae), Labcorp
Classification: Uncertain significance. Last evaluated: 2025-07-29. Review status: criteria provided, single submitter. Criteria: Invitae Variant Classification Sherloc (09022015). Collection method: clinical testing. Allele origin: germline.
Comment: This sequence change replaces serine, which is neutral and polar, with tryptophan, which is neutral and slightly polar, at codon 35 of the FH protein (p.Ser35Trp). This variant is not present in population databases (gnomAD no frequency). This variant has not been reported in the literature in individuals affected with FH-related conditions. ClinVar contains an entry for this variant (Variation ID: 822075). Invitae Evidence Modeling of protein sequence and biophysical properties (such as structural, functional, and spatial information, amino acid conservation, physicochemical variation, residue mobility, and thermodynamic stability) indicates that this missense variant is not expected to disrupt FH protein function with a negative predictive value of 95%. In summary, the available evidence is currently insufficient to determine the role of this variant in disease. Therefore, it has been classified as a Variant of Uncertain Significance.

Ambry Genetics
Classification: Uncertain significance for Hereditary cancer-predisposing syndrome. Last evaluated: 2024-09-12. Review status: criteria provided, single submitter. Criteria: Ambry Variant Classification Scheme 2023. Collection method: clinical testing. Allele origin: germline.
Comment: The p.S35W variant (also known as c.104C>G), located in coding exon 1 of the FH gene, results from a C to G substitution at nucleotide position 104. The serine at codon 35 is replaced by tryptophan, an amino acid with highly dissimilar properties. This amino acid position is poorly conserved in available vertebrate species. In addition, the in silico prediction for this alteration is inconclusive. Since supporting evidence is limited at this time, the clinical significance of this alteration remains unclear.

GeneDx
Classification: Uncertain significance. Last evaluated: 2023-03-27. Review status: criteria provided, single submitter. Criteria: GeneDx Variant Classification Process June 2021. Collection method: clinical testing. Allele origin: germline. Affected: yes.
Comment: Not observed at significant frequency in large population cohorts (gnomAD); In silico analysis supports that this missense variant does not alter protein structure/function; Has not been previously published as pathogenic or benign to our knowledge

Natera, Inc.
Classification: Uncertain significance for Fumarase Deficiency. Last evaluated: 2020-11-05. Review status: no assertion criteria provided. Collection method: clinical testing. Allele origin: germline. Not counted in ClinVar's aggregate classification.